The following is an entry in ClinVar:

NM_057175.5(NAA15):c.1300G>A (p.Ala434Thr)

Gene: NAA15 (N-alpha-acetyltransferase 15, NatA auxiliary subunit; plus strand). Cytogenetic location: 4q31.1.
Variant type: single nucleotide variant.
Coding change: c.1300G>A on transcript NM_057175.5 (MANE Select); coding-DNA position 1300, G replaced by A.
Protein change: p.Ala434Thr; replaces alanine 434 with threonine.
Molecular consequence: missense variant.
Genome position (GRCh38, 1-based): chr4:139,359,785, G>A. VCF-style: chr4-139359785-G-A. GRCh37 (hg19) VCF-style: chr4-140280939-G-A.
Other names: c.1300G>A, p.Ala434Thr (NM_001410842.1); short protein forms A434T.
Identifiers: ClinVar variation 3347315 (VCV003347315.1).

ClinVar aggregate classification (germline): Uncertain significance (0 of 4 stars; one submission).

Conditions:
NAA15-related disorder.

gnomAD v4.1: 1 of 1,607,934 alleles (0.000062%); highest among the groups gnomAD compares: South Asian, 0.0011%; no homozygotes.

Submission:

PreventionGenetics, part of Exact Sciences
Classification: Uncertain significance for NAA15-related condition. Last evaluated: 2024-07-04. Review status: no assertion criteria provided. Collection method: clinical testing. Allele origin: germline.
Comment: The NAA15 c.1300G>A variant is predicted to result in the amino acid substitution p.Ala434Thr. To our knowledge, this variant has not been reported in the literature or in a large population database, indicating this variant is rare. At this time, the clinical significance of this variant is uncertain due to the absence of conclusive functional and genetic evidence.